The following is an entry in ClinVar:

ClinVar aggregate classification (germline): Benign. Review status: criteria provided, multiple submitters, no conflicts (2 of 4 stars). 2 submissions from 2 submitters: Benign (2). Last evaluated 2018-06-16.

Allele frequency attached by ClinVar (database versions not stated): gnomAD exomes 0.00445; gnomAD 0.03317 and 0.03556; 1000 Genomes Project 0.03335; 1000 Genomes Project 30x 0.03623; TOPMed 0.03650.
gnomAD v4.1: 8,044 of 797,260 alleles (1%); highest among the groups gnomAD compares: African/African-American, 11%; 380 homozygotes.

Submissions (2):

GeneDx
Classification: Benign. Last evaluated: 2018-06-16. Review status: criteria provided, single submitter. Criteria: GeneDx Variant Classification (06012015). Collection method: clinical testing. Allele origin: germline. Affected: yes.
Comment: This variant is considered likely benign or benign based on one or more of the following criteria: it is a conservative change, it occurs at a poorly conserved position in the protein, it is predicted to be benign by multiple in silico algorithms, and/or has population frequency not consistent with disease.

Breakthrough Genomics
Classification: Benign. Review status: criteria provided, single submitter. Criteria: ACMG Guidelines, 2015. Collection method: not provided. Allele origin: germline. Inheritance: Autosomal recessive inheritance. Affected: yes.

NM_203447.4(DOCK8):c.156+93A>G

Gene: DOCK8 (dedicator of cytokinesis 8; plus strand). Cytogenetic location: 9p24.3.
Variant type: single nucleotide variant.
Coding change: c.156+93A>G on transcript NM_203447.4 (MANE Select); 93 bases into the intron after coding-DNA position 156, A replaced by G.
Molecular consequence: intron variant.
Genome position (GRCh38, 1-based): chr9:271,822, A>G. VCF-style: chr9-271822-A-G. GRCh37 (hg19) VCF-style: chr9-271822-A-G.
Identifiers: ClinVar variation 675137 (VCV000675137.2), dbSNP rs61167112, ClinGen allele CA187758246.